The following is an entry in ClinVar:

ClinVar aggregate classification (germline): Likely pathogenic. Review status: criteria provided, multiple submitters, no conflicts (2 of 4 stars). 2 submissions from 2 submitters: Likely pathogenic (2). Last evaluated 2019-04-30.

Conditions:
Sotos syndrome (SOTOS). Also called: CHROMOSOME 5q35 DELETION SYNDROME; CEREBRAL GIGANTISM; Sotos' syndrome; SOTOS SYNDROME 1; Distinctive facial appearance, overgrowth in childhood, and learning disabilities or delayed development. Identifiers: Orphanet 821, MedGen C0175695, MONDO:0019349, OMIM 117550.
Beckwith-Wiedemann syndrome (BWS). Also called: Exomphalos macroglossia gigantism syndrome; EMG SYNDROME. Identifiers: Orphanet 116, MedGen C0004903, MONDO:0007534, OMIM 130650.

Submissions (2):

Labcorp Genetics (formerly Invitae), Labcorp
Classification: Likely pathogenic for Beckwith-Wiedemann syndrome. Last evaluated: 2019-04-30. Review status: criteria provided, single submitter. Criteria: Invitae Variant Classification Sherloc (09022015). Collection method: clinical testing. Allele origin: germline.
Comment: This sequence change replaces phenylalanine with leucine at codon 2122 of the NSD1 protein (p.Phe2122Leu). The phenylalanine residue is highly conserved and there is a small physicochemical difference between phenylalanine and leucine. This variant is not present in population databases (ExAC no frequency). Algorithms developed to predict the effect of missense changes on protein structure and function are either unavailable or do not agree on the potential impact of this missense change (SIFT: "Tolerated"; PolyPhen-2: "Probably Damaging"; Align-GVGD: "Class C0"). In summary, the currently available evidence indicates that the variant is pathogenic, but additional data are needed to prove that conclusively. Therefore, this variant has been classified as Likely Pathogenic.

Molecular Diagnostics Laboratory, M Health Fairview: University of Minnesota
Classification: Likely pathogenic for Sotos syndrome. Last evaluated: 2017-07-21. Review status: criteria provided, single submitter. Criteria: ACMG Guidelines, 2015. Collection method: clinical testing. Allele origin: germline. Affected: yes. Observed: 1 variant allele.

Literature cited by the submitters: PubMed 26896805 (cited by Molecular Diagnostics Laboratory, M Health Fairview: University of Minnesota).

NM_022455.5(NSD1):c.6366T>G (p.Phe2122Leu)

Gene: NSD1 (nuclear receptor binding SET domain protein 1; plus strand). Cytogenetic location: 5q35.3.
Variant type: single nucleotide variant.
Coding change: c.6366T>G on transcript NM_022455.5 (MANE Select); coding-DNA position 6366, T replaced by G.
Protein change: p.Phe2122Leu; replaces phenylalanine 2122 with leucine.
Molecular consequence: missense variant.
Genome position (GRCh38, 1-based): chr5:177,292,061, T>G. VCF-style: chr5-177292061-T-G. GRCh37 (hg19) VCF-style: chr5-176719062-T-G.
Other names: c.5493T>G, p.Phe1831Leu (NM_001365684.2, NM_001409308.1, NM_172349.5); c.6366T>G, p.Phe2122Leu (NM_001409301.1, NM_001409302.1, NM_001409303.1); c.5946T>G, p.Phe1982Leu (NM_001409304.1); c.5613T>G, p.Phe1871Leu (NM_001409305.1); c.5604T>G, p.Phe1868Leu (NM_001409306.1, NM_001409307.1); c.5244T>G, p.Phe1748Leu (NM_001409309.1); short protein forms F2122L, F1853L, F1982L, F1868L, F1871L, F1831L, F1748L.
Identifiers: ClinVar variation 623190 (VCV000623190.3), dbSNP rs1562305653, ClinGen allele CA362320595.